The following is an entry in ClinVar:

NM_000051.4(ATM):c.3577-1G>C

Gene: ATM (ATM serine/threonine kinase; plus strand). Cytogenetic location: 11q22.3.
Variant type: single nucleotide variant.
Coding change: c.3577-1G>C on transcript NM_000051.4 (MANE Select); the canonical splice acceptor site of the intron before coding-DNA position 3577, G replaced by C.
Molecular consequence: splice acceptor variant.
Genome position (GRCh38, 1-based): chr11:108,282,709, G>C. VCF-style: chr11-108282709-G-C. GRCh37 (hg19) VCF-style: chr11-108153436-G-C.
Other names: c.3577-1G>C (NM_001351834.2).
Identifiers: ClinVar variation 371378 (VCV000371378.17), dbSNP rs1057517226, ClinGen allele CA16041402.

ClinVar aggregate classification (germline): Likely pathogenic. Review status: criteria provided, multiple submitters, no conflicts (2 of 4 stars). 7 submissions from 7 submitters: Likely pathogenic (6). 1 of the submissions does not count toward it. Last evaluated 2025-11-25.

Conditions:
Hereditary cancer-predisposing syndrome. Also called: Neoplastic Syndromes, Hereditary; Tumor predisposition; Hereditary Cancer Syndrome; Hereditary neoplastic syndrome. Identifiers: Orphanet 140162, MedGen C0027672, MeSH D009386, MONDO:0015356.
Ataxia-telangiectasia syndrome (AT). Also called: Ataxia-telangiectasia, complementation group D; AT, COMPLEMENTATION GROUP C; ATAXIA-TELANGIECTASIA, COMPLEMENTATION GROUP A; ATAXIA-TELANGIECTASIA, FRESNO VARIANT; Cerebello-oculocutaneous telangiectasia; Immunodeficiency with ataxia telangiectasia. Identifiers: Orphanet 100, MedGen C0004135, MONDO:0008840, OMIM 208900.
ATM-related cancer predisposition. Also called: ATM-related cancer susceptibility. Identifiers: MedGen CN377759, MONDO:0700270.
Familial cancer of breast. Also called: BREAST CANCER, FAMILIAL; hereditary breast carcinoma; Hereditary breast cancer. Identifiers: Orphanet 227535, MedGen C0346153, MONDO:0016419, OMIM 114480. Disease mechanism: loss of function.

Allele frequency attached by ClinVar (database versions not stated): TOPMed below 0.00001.

Submissions (7):

Ambry Genetics
Classification: Likely pathogenic for Hereditary cancer-predisposing syndrome. Last evaluated: 2025-11-25. Review status: criteria provided, single submitter. Criteria: Ambry Variant Classification Scheme 2023. Collection method: clinical testing. Allele origin: germline.
Comment: The c.3577-1G>C intronic variant results from a G to C substitution one nucleotide upstream from coding exon 24 of the ATM gene. This nucleotide position is highly conserved in available vertebrate species. In silico splice site analysis predicts that this alteration will weaken the native splice acceptor site and will result in the creation or strengthening of a novel splice acceptor site; however, direct evidence is insufficient at this time (Ambry internal data). Alterations that disrupt the canonical splice site are expected to cause aberrant splicing, resulting in an abnormal protein or a transcript that is subject to nonsense-mediated mRNA decay. As such, this alteration is classified as likely pathogenic.

Hema, HEMA – Genetic and Molecular Diagnostic Laboratory
Classification: Likely pathogenic for ATM-related cancer predisposition. Last evaluated: 2025-03-01. Review status: criteria provided, single submitter. Criteria: HEMA Variant Classification Assertion Criteria. Collection method: clinical testing. Allele origin: germline.
Comment: It is a transversion from guanine to cytosine that affects the acceptor splice site of intron 24 of the ATM gene. PVS1: Variant at the acceptor splice site (-1) of intron 24 of ATM. It is predicted to result in exon 25 skipping and/or the use of a cryptic acceptor site, leading to a frameshift, a premature stop codon, and nonsense-mediated decay (NMD) of the transcript in a gene for which loss of function is a disease mechanism. PM2_Supporting: Absent in the gnomAD database.

Color Diagnostics, LLC DBA Color Health
Classification: Likely pathogenic for Hereditary cancer-predisposing syndrome. Last evaluated: 2024-05-13. Review status: criteria provided, single submitter. Criteria: ACMG Guidelines, 2015. Collection method: clinical testing. Allele origin: germline.
Comment: This variant causes a G>C nucleotide substitution at the -1 position of intron 24 of the ATM gene. Splice site prediction tools predict that this variant may have a significant impact on RNA splicing. Although this prediction has not been confirmed in published RNA studies, this variant is expected to result in an absent or disrupted protein product. This variant has been reported in an individual tested for hereditary cancer (PMID: 31159747). This variant has not been identified in the general population by the Genome Aggregation Database (gnomAD). Loss of ATM function is a known mechanism of disease. Based on the available evidence, this variant is classified as Likely Pathogenic.

Myriad Genetics, Inc.
Classification: Likely pathogenic for Familial cancer of breast. Last evaluated: 2024-01-22. Review status: criteria provided, single submitter. Criteria: Myriad Autosomal Dominant, Autosomal Recessive and X-Linked Classification Criteria (2023). Collection method: clinical testing. Allele origin: unknown.
Comment: This variant is considered likely pathogenic. This variant occurs within a consensus splice junction and is predicted to result in abnormal mRNA splicing of either an out-of-frame exon or an in-frame exon necessary for protein stability and/or normal function.

Labcorp Genetics (formerly Invitae), Labcorp
Classification: Likely pathogenic for Ataxia-telangiectasia syndrome. Last evaluated: 2023-07-28. Review status: criteria provided, single submitter. Criteria: Invitae Variant Classification Sherloc (09022015). Collection method: clinical testing. Allele origin: germline.
Comment: ClinVar contains an entry for this variant (Variation ID: 371378). Disruption of this splice site has been observed in individual(s) with personal or family history of breast and/or ovarian cancer (PMID: 31159747). This variant is not present in population databases (gnomAD no frequency). This sequence change affects an acceptor splice site in intron 24 of the ATM gene. It is expected to disrupt RNA splicing. Variants that disrupt the donor or acceptor splice site typically lead to a loss of protein function (PMID: 16199547), and loss-of-function variants in ATM are known to be pathogenic (PMID: 23807571, 25614872). Algorithms developed to predict the effect of sequence changes on RNA splicing suggest that this variant may disrupt the consensus splice site. In summary, the currently available evidence indicates that the variant is pathogenic, but additional data are needed to prove that conclusively. Therefore, this variant has been classified as Likely Pathogenic.

GeneKor MSA
Classification: Likely pathogenic for Hereditary cancer-predisposing syndrome. Last evaluated: 2020-01-01. Review status: criteria provided, single submitter. Criteria: ACMG Guidelines, 2015. Collection method: clinical testing. Allele origin: germline. Affected: yes.
Comment: This sequence change occurs 1 nucleotides before exon 25 of the ATM gene. This position is highly conserved in the human and other genomes and is crucial in mRNA processing. This variant is expected to disrupt RNA splicing and likely results in an absent or disrupted protein product. Donor and acceptor splice site variants as usual lead to a loss of protein function (PMID: 16199547). This variant has been described in the international literature in an individual undergoing panel testing for hereditary syndrome (PMID: 31159747). The mutation database ClinVar contains entries for this variant (Variation ID:371378).

Counsyl
Classification: Likely pathogenic for Ataxia-telangiectasia syndrome. Last evaluated: 2016-09-09. Review status: no assertion criteria provided. Collection method: clinical testing. Allele origin: unknown. Not counted in ClinVar's aggregate classification.

Literature cited by the submitters: PubMed 31159747 (cited by Color Diagnostics, LLC DBA Color Health and Labcorp Genetics (formerly Invitae), Labcorp); PubMed 16199547 (cited by Labcorp Genetics (formerly Invitae), Labcorp); PubMed 23807571 (cited by Labcorp Genetics (formerly Invitae), Labcorp); PubMed 25614872 (cited by Labcorp Genetics (formerly Invitae), Labcorp).